The following is an entry in ClinVar:

NM_130837.3(OPA1):c.439_440del (p.Ile147fs)

Gene: OPA1 (OPA1 mitochondrial dynamin like GTPase; plus strand). Cytogenetic location: 3q29.
Variant type: Microsatellite.
Coding change: c.439_440del on transcript NM_130837.3 (MANE Select); coding-DNA positions 439 to 440, 2 bases deleted (AT; older notation c.439_440delAT).
Protein change: p.Ile147fs; shifts the reading frame from isoleucine 147.
Molecular consequence: frameshift variant.
Genome position (GRCh38, 1-based): chr3:193,615,761-193,615,762, AT deleted; deleting any 2 consecutive bases within chr3:193,615,758-193,615,762 gives the same sequence; the c. name uses the placement nearest the transcript's 3' end. VCF-style (leftmost placement, unchanged base first): chr3-193615757-GTA-G. GRCh37 (hg19) VCF-style: chr3-193333546-GTA-G.
Other names: c.439_440del, p.Ile147fs (NM_130835.3, NM_130836.3, NM_015560.3 and 4 more transcripts); c.67_68del, p.Ile23fs (NM_001354663.2, NM_001354664.2); short protein forms I147fs, I23fs.
Identifiers: ClinVar variation 3724905 (VCV003724905.2).

ClinVar aggregate classification (germline): Pathogenic (1 of 4 stars; one submission).

Submission:

Labcorp Genetics (formerly Invitae), Labcorp
Classification: Pathogenic. Last evaluated: 2024-11-19. Review status: criteria provided, single submitter. Criteria: Invitae Variant Classification Sherloc (09022015). Collection method: clinical testing. Allele origin: germline.
Comment: This sequence change creates a premature translational stop signal (p.Ile147Argfs*3) in the OPA1 gene. It is expected to result in an absent or disrupted protein product. Loss-of-function variants in OPA1 are known to be pathogenic (PMID: 11440988, 20157015, 20952381, 25012220). This variant is not present in population databases (gnomAD no frequency). This variant has not been reported in the literature in individuals affected with OPA1-related conditions. For these reasons, this variant has been classified as Pathogenic.

Literature cited by the submitters: PubMed 11440988; PubMed 20157015; PubMed 20952381; PubMed 25012220.